The following is an entry in ClinVar:

ClinVar aggregate classification (germline): Likely pathogenic. Review status: criteria provided, multiple submitters, no conflicts (2 of 4 stars). 2 submissions from 2 submitters: Likely pathogenic (2). Last evaluated 2025-06-30.

Conditions:
TTN-related disorder. Also called: TTN-related condition; TTN-related disease; TTN-related disorders.
Dilated cardiomyopathy 1G (CMD1G). Identifiers: Orphanet 154, MedGen C1858763, MONDO:0011400, OMIM 604145.
Autosomal recessive limb-girdle muscular dystrophy type 2J (LGMDR10). Also called: Limb-girdle muscular dystrophy, type 2J; MUSCULAR DYSTROPHY, LIMB-GIRDLE, AUTOSOMAL RECESSIVE 10. Identifiers: Orphanet 140922, MedGen C1837342, MONDO:0012127, OMIM 608807.

Submissions (2):

Labcorp Genetics (formerly Invitae), Labcorp
Classification: Likely pathogenic for Dilated cardiomyopathy 1G; Autosomal recessive limb-girdle muscular dystrophy type 2J. Last evaluated: 2025-06-30. Review status: criteria provided, single submitter. Criteria: Invitae Variant Classification Sherloc (09022015). Collection method: clinical testing. Allele origin: germline.
Comment: This sequence change creates a premature translational stop signal (p.Tyr30791*) in the TTN gene. While this is not anticipated to result in nonsense mediated decay, it is expected to create a truncated TTN protein. This variant is not present in population databases (gnomAD no frequency). This variant has not been reported in the literature in individuals affected with TTN-related conditions. This variant is located in the A band of TTN (PMID: 25589632). Truncating variants in this region are significantly overrepresented in patients affected with dilated cardiomyopathy (PMID: 25589632). Truncating variants in this region have also been reported in individuals affected with autosomal recessive centronuclear myopathy (PMID: 23975875). In summary, the currently available evidence indicates that the variant is pathogenic, but additional data are needed to prove that conclusively. Therefore, this variant has been classified as Likely Pathogenic.

Blueprint Genetics
Classification: Likely pathogenic for TTN-related disorders. Last evaluated: 2024-10-09. Review status: criteria provided, single submitter. Criteria: ACMG Guidelines, 2015. Collection method: clinical testing. Allele origin: germline. Affected: yes. Observed: 2 variant alleles.

Literature cited by the submitters: PubMed 25589632 (cited by Labcorp Genetics (formerly Invitae), Labcorp); PubMed 23975875 (cited by Labcorp Genetics (formerly Invitae), Labcorp).

NM_001267550.2(TTN):c.92373T>A (p.Tyr30791Ter)

Genes: TTN (titin; minus strand), TTN-AS1 (TTN antisense RNA 1; plus strand). Cytogenetic location: 2q31.2.
Variant type: single nucleotide variant.
Coding change: c.92373T>A on transcript NM_001267550.2 (MANE Select); coding-DNA position 92373, T replaced by A.
Protein change: p.Tyr30791Ter; replaces tyrosine 30791 with a stop codon.
Molecular consequence: nonsense.
Genome position (GRCh38, 1-based): chr2:178,549,253, A>T on the plus strand (T>A on the coding strand, the complement: TTN is on the minus strand). VCF-style: chr2-178549253-A-T. GRCh37 (hg19) VCF-style: chr2-179413980-A-T.
Other names: c.65178T>A, p.Tyr21726Ter (NM_003319.4); c.84669T>A, p.Tyr28223Ter (NM_133378.4); c.65553T>A, p.Tyr21851Ter (NM_133432.3); c.65754T>A, p.Tyr21918Ter (NM_133437.4); c.87450T>A, p.Tyr29150Ter (NM_001256850.1); short protein forms Y21851*, Y21726*, Y28223*, Y29150*, Y21918*, Y30791*.
Identifiers: ClinVar variation 4783282 (VCV004783282.2).